The following is an entry in ClinVar:

ClinVar aggregate classification (germline): Pathogenic. Review status: criteria provided, multiple submitters, no conflicts (2 of 4 stars). 3 submissions from 3 submitters: Pathogenic (3). Last evaluated 2022-10-28.

Conditions:
Hereditary hemorrhagic telangiectasia (HHT). Also called: Osler hemorrhagic telangiectasia syndrome; ORW DISEASE; Osler Weber Rendu syndrome; OSLER-RENDU-WEBER DISEASE. Identifiers: Orphanet 774, MedGen C0039445, MONDO:0019180. Disease mechanism: loss of function.
Cardiovascular phenotype. Identifiers: MedGen CN230736.

Submissions (3):

Labcorp Genetics (formerly Invitae), Labcorp
Classification: Pathogenic for Hereditary hemorrhagic telangiectasia. Last evaluated: 2022-10-28. Review status: criteria provided, single submitter. Criteria: Invitae Variant Classification Sherloc (09022015). Collection method: clinical testing. Allele origin: germline.
Comment: This variant is not present in population databases (gnomAD no frequency). This sequence change affects a donor splice site in intron 4 of the ENG gene. It is expected to disrupt RNA splicing. Variants that disrupt the donor or acceptor splice site typically lead to a loss of protein function (PMID: 16199547), and loss-of-function variants in ENG are known to be pathogenic (PMID: 15879500). Disruption of this splice site has been observed in individuals with hereditary hemorrhagic telangiectasia (PMID: 23535011; Invitae). ClinVar contains an entry for this variant (Variation ID: 871272). Algorithms developed to predict the effect of sequence changes on RNA splicing suggest that this variant may disrupt the consensus splice site. For these reasons, this variant has been classified as Pathogenic.

CeGaT Center for Human Genetics Tuebingen
Classification: Pathogenic. Last evaluated: 2018-11-01. Review status: criteria provided, single submitter. Criteria: CeGaT Center For Human Genetics Tuebingen Variant Classification Criteria Version 2. Collection method: clinical testing. Allele origin: germline. Affected: yes. Observed: 2 variant alleles.

Ambry Genetics
Classification: Pathogenic for Cardiovascular phenotype. Last evaluated: 2018-02-02. Review status: criteria provided, single submitter. Criteria: Ambry Variant Classification Scheme 2023. Collection method: clinical testing. Allele origin: germline.
Comment: The c.523+1G>C intronic pathogenic mutation results from a G to C substitution one nucleotide after coding exon 4 of the ENG gene. This mutation was identified in a cohort of children with a clinical diagnosis of hereditary hemorrhagic telangiectasia (Giordano P et al. J. Pediatr., 2013 Jul;163:179-86.e1-3). Three disease-causing variants, c.523G>A, c.523G>C, and c.523G>T, have been described at this exon/intron boundary in individuals with clinical features of hereditary hemorrhagic telangiectasia (HHT) and reduced endoglin levels were observed in cells from an affected individual carrying the c.523G>C alteration (Bossler AD et al. Hum. Mutat., 2006 Jul;27:667-75; Cymerman U et al. Hum. Mutat. 2003 May; 21(5):482-92; Ambry internal data). In addition to the clinical data presented in the literature, alterations that disrupt the canonical splice site are expected to cause aberrant splicing, resulting in an abnormal protein or a transcript that is subject to nonsense-mediated mRNA decay. As such, this alteration is classified as likely pathogenic.

Literature cited by the submitters: PubMed 16199547 (cited by Labcorp Genetics (formerly Invitae), Labcorp); PubMed 15879500 (cited by Labcorp Genetics (formerly Invitae), Labcorp); PubMed 23535011 (cited by Labcorp Genetics (formerly Invitae), Labcorp and Ambry Genetics).

NM_001114753.3(ENG):c.523+1G>C

Gene: ENG (endoglin; minus strand). Cytogenetic location: 9q34.11.
Variant type: single nucleotide variant.
Coding change: c.523+1G>C on transcript NM_001114753.3 (MANE Select); the canonical splice donor site of the intron after coding-DNA position 523, G replaced by C.
Molecular consequence: splice donor variant.
Genome position (GRCh38, 1-based): chr9:127,826,509, C>G on the plus strand (G>C on the coding strand, the complement: ENG is on the minus strand). VCF-style: chr9-127826509-C-G. GRCh37 (hg19) VCF-style: chr9-130588788-C-G.
Other names: c.523+1G>C (NM_000118.4, NM_001406715.1); c.-24+1G>C (NM_001278138.2).
Identifiers: ClinVar variation 871272 (VCV000871272.51), dbSNP rs113930974, ClinGen allele CA200314431.